The following is an entry in ClinVar:

NM_005629.4(SLC6A8):c.859G>C (p.Asp287His)

Gene: SLC6A8 (solute carrier family 6 member 8; plus strand). Cytogenetic location: Xq28.
Variant type: single nucleotide variant.
Coding change: c.859G>C on transcript NM_005629.4 (MANE Select); coding-DNA position 859, G replaced by C.
Protein change: p.Asp287His; replaces aspartic acid 287 with histidine.
Molecular consequence: missense variant.
Genome position (GRCh38, 1-based): chrX:153,693,122, G>C. VCF-style: chrX-153693122-G-C. GRCh37 (hg19) VCF-style: chrX-152958577-G-C.
Other names: c.859G>C, p.Asp287His (NM_001142805.2); c.514G>C, p.Asp172His (NM_001142806.1); short protein forms D287H, D172H.
Identifiers: ClinVar variation 2695789 (VCV002695789.3), dbSNP rs2522162079, ClinGen allele CA415083910.

ClinVar aggregate classification (germline): Uncertain significance (1 of 4 stars; one submission).

Conditions:
Creatine transporter deficiency (CCDS1). Also called: CEREBRAL CREATINE DEFICIENCY SYNDROME 1; Mental retardation , X-linked with seizures, short stature and midface hypoplasia; Mental retardation , X-linked, with creatine transport deficiency; X-linked creatine transporter deficiency; X-linked creatine deficiency syndrome; SLC6A8-Related Creatine Transporter Deficiency. Identifiers: Orphanet 52503, MedGen C1845862, MONDO:0010305, OMIM 300352.

Submission:

Labcorp Genetics (formerly Invitae), Labcorp
Classification: Uncertain significance for Creatine transporter deficiency. Last evaluated: 2023-06-06. Review status: criteria provided, single submitter. Criteria: Invitae Variant Classification Sherloc (09022015). Collection method: clinical testing. Allele origin: germline.
Comment: In summary, the available evidence is currently insufficient to determine the role of this variant in disease. Therefore, it has been classified as a Variant of Uncertain Significance. Advanced modeling of protein sequence and biophysical properties (such as structural, functional, and spatial information, amino acid conservation, physicochemical variation, residue mobility, and thermodynamic stability) performed at Invitae indicates that this missense variant is not expected to disrupt SLC6A8 protein function. This variant has not been reported in the literature in individuals affected with SLC6A8-related conditions. This variant is not present in population databases (gnomAD no frequency). This sequence change replaces aspartic acid, which is acidic and polar, with histidine, which is basic and polar, at codon 287 of the SLC6A8 protein (p.Asp287His).